The following is an entry in ClinVar:

NM_000059.4(BRCA2):c.9556_9567delinsAAGTGGTCCACCCCAACTA (p.Ala3186fs)

Gene: BRCA2 (BRCA2 DNA repair associated; plus strand). Cytogenetic location: 13q13.1.
Variant type: Indel.
Coding change: c.9556_9567delinsAAGTGGTCCACCCCAACTA on transcript NM_000059.4 (MANE Select); coding-DNA positions 9556 to 9567, GCAAATGATCCC replaced by AAGTGGTCCACCCCAACTA.
Protein change: p.Ala3186fs; shifts the reading frame from alanine 3186.
Molecular consequence: frameshift variant.
Genome position (GRCh38, 1-based): chr13:32,396,952-32,396,963, GCAAATGATCCC replaced by AAGTGGTCCACCCCAACTA. VCF-style: chr13-32396952-GCAAATGATCCC-AAGTGGTCCACCCCAACTA. GRCh37 (hg19) VCF-style: chr13-32971089-GCAAATGATCCC-AAGTGGTCCACCCCAACTA.
Other names: c.9556_9567delGCAAATGATCCCinsAAGTGGTCCACCCCAACTA (NM_000059.3); short protein forms A3186fs.
Identifiers: ClinVar variation 483078 (VCV000483078.5), dbSNP rs1555289777, ClinGen allele CA658656375.

ClinVar aggregate classification (germline): Pathogenic (1 of 4 stars; one submission).

Conditions:
Hereditary cancer-predisposing syndrome. Also called: Neoplastic Syndromes, Hereditary; Tumor predisposition; Hereditary Cancer Syndrome; Hereditary neoplastic syndrome. Identifiers: Orphanet 140162, MedGen C0027672, MeSH D009386, MONDO:0015356.

Submission:

Ambry Genetics
Classification: Pathogenic for Hereditary cancer-predisposing syndrome. Last evaluated: 2017-03-02. Review status: criteria provided, single submitter. Criteria: Ambry Variant Classification Scheme 2023. Collection method: clinical testing. Allele origin: germline.
Comment: The c.9556_9567del12ins19 variant, located in coding exon 25 of the BRCA2 gene, results from the deletion of 12 nucleotides and insertion of 19 nucleotides causing a translational frameshift with a predicted alternate stop codon (p.A3186Kfs*13). This alteration is expected to result in loss of function by premature protein truncation or nonsense-mediated mRNA decay. As such, this alteration is interpreted as a disease-causing mutation.